The following is an entry in ClinVar:

ClinVar aggregate classification (germline): Uncertain significance (1 of 4 stars; one submission).

Conditions:
Pitt-Hopkins syndrome (PTHS). Also called: MENTAL RETARDATION, SYNDROMAL, WITH INTERMITTENT HYPERVENTILATION; ENCEPHALOPATHY, SEVERE EPILEPTIC, WITH AUTONOMIC DYSFUNCTION. Identifiers: Orphanet 2896, MedGen C1970431, MONDO:0012589, OMIM 610954.

Allele frequency attached by ClinVar (database versions not stated): gnomAD exomes below 0.00001; TOPMed below 0.00001; gnomAD 0.00001.
gnomAD v4.1: 3 of 1,613,948 alleles (0.00019%); highest among the groups gnomAD compares: Admixed American, 0.0017%; no homozygotes.

Submission:

Labcorp Genetics (formerly Invitae), Labcorp
Classification: Uncertain significance for Pitt-Hopkins syndrome. Last evaluated: 2022-02-25. Review status: criteria provided, single submitter. Criteria: Invitae Variant Classification Sherloc (09022015). Collection method: clinical testing. Allele origin: germline.
Comment: This sequence change replaces aspartic acid, which is acidic and polar, with asparagine, which is neutral and polar, at codon 554 of the TCF4 protein (p.Asp554Asn). This variant is present in population databases (no rsID available, gnomAD 0.01%). In summary, the available evidence is currently insufficient to determine the role of this variant in disease. Therefore, it has been classified as a Variant of Uncertain Significance. Algorithms developed to predict the effect of missense changes on protein structure and function are either unavailable or do not agree on the potential impact of this missense change (SIFT: "Tolerated"; PolyPhen-2: "Possibly Damaging"; Align-GVGD: "Class C0"). This variant has not been reported in the literature in individuals affected with TCF4-related conditions.

NM_001083962.2(TCF4):c.1660G>A (p.Asp554Asn)

Gene: TCF4 (transcription factor 4; minus strand). Cytogenetic location: 18q21.2.
Variant type: single nucleotide variant.
Coding change: c.1660G>A on transcript NM_001083962.2 (MANE Select); coding-DNA position 1660, G replaced by A.
Protein change: p.Asp554Asn; replaces aspartic acid 554 with asparagine.
Molecular consequence: missense variant.
Genome position (GRCh38, 1-based): chr18:55,229,066, C>T on the plus strand (G>A on the coding strand, the complement: TCF4 is on the minus strand). VCF-style: chr18-55229066-C-T. GRCh37 (hg19) VCF-style: chr18-52896297-C-T.
Other names: c.1576G>A, p.Asp526Asn (NM_001348219.2, NM_001369582.1, NM_001369583.1 and 1 more transcripts); c.1573G>A, p.Asp525Asn (NM_001348220.1, NM_001369584.1, NM_001369585.1); c.1585G>A, p.Asp529Asn (NM_001369577.1, NM_001369578.1, NM_001369579.1 and 3 more transcripts); c.1660G>A, p.Asp554Asn (NM_001369567.1, NM_001369568.1); c.1657G>A, p.Asp553Asn (NM_001369569.1, NM_001369570.1, NM_001330604.3); c.1648G>A, p.Asp550Asn (NM_001369571.1, NM_001369572.1, NM_003199.3); c.1645G>A, p.Asp549Asn (NM_001369573.1, NM_001369574.1); c.1588G>A, p.Asp530Asn (NM_001369575.1, NM_001243227.2, NM_001348217.1 and 1 more transcripts); and 14 more; short protein forms D389N, D420N, D424N, D525N, D530N, D656N, D394N, D483N.
Identifiers: ClinVar variation 2103397 (VCV002103397.4), dbSNP rs1283841605, ClinGen allele CA402529249.